The following is an entry in ClinVar:

NM_012281.3(KCND2):c.1609dup (p.Thr537fs)

Gene: KCND2 (potassium voltage-gated channel subfamily D member 2; plus strand). Cytogenetic location: 7q31.31.
Variant type: Duplication.
Coding change: c.1609dup on transcript NM_012281.3 (MANE Select); coding-DNA position 1609, one base duplicated (A; older notation c.1609dupA).
Protein change: p.Thr537fs; shifts the reading frame from threonine 537.
Molecular consequence: frameshift variant.
Genome position (GRCh38, 1-based): chr7:120,745,921, A duplicated; the last of 7 consecutive A bases (chr7:120,745,915-120,745,921); duplicating any one gives the same sequence. VCF-style (leftmost placement, unchanged base first): chr7-120745914-C-CA. GRCh37 (hg19) VCF-style: chr7-120385968-C-CA.
Other names: short protein forms T537fs.
Identifiers: ClinVar variation 2127677 (VCV002127677.4), dbSNP rs770990872, ClinGen allele CA918115792.

ClinVar aggregate classification (germline): Uncertain significance (1 of 4 stars; one submission).

Conditions:
Early Myoclonic Encephalopathy. Identifiers: MedGen C0270855.

Submission:

Labcorp Genetics (formerly Invitae), Labcorp
Classification: Uncertain significance for Early Myoclonic Encephalopathy. Last evaluated: 2023-04-09. Review status: criteria provided, single submitter. Criteria: Invitae Variant Classification Sherloc (09022015). Collection method: clinical testing. Allele origin: germline.
Comment: In summary, the available evidence is currently insufficient to determine the role of this variant in disease. Therefore, it has been classified as a Variant of Uncertain Significance. ClinVar contains an entry for this variant (Variation ID: 2127677). This variant has not been reported in the literature in individuals affected with KCND2-related conditions. This variant is not present in population databases (gnomAD no frequency). This sequence change creates a premature translational stop signal (p.Thr537Asnfs*16) in the KCND2 gene. It is expected to result in an absent or disrupted protein product. However, the current clinical and genetic evidence is not sufficient to establish whether loss-of-function variants in KCND2 cause disease.